The following is an entry in ClinVar:

NM_020318.3(PAPPA2):c.3376G>T (p.Glu1126Ter)

Gene: PAPPA2 (pappalysin 2; plus strand). Cytogenetic location: 1q25.2.
Variant type: single nucleotide variant.
Coding change: c.3376G>T on transcript NM_020318.3 (MANE Select); coding-DNA position 3376, G replaced by T.
Protein change: p.Glu1126Ter; replaces glutamic acid 1126 with a stop codon.
Molecular consequence: nonsense.
Genome position (GRCh38, 1-based): chr1:176,706,369, G>T. VCF-style: chr1-176706369-G-T. GRCh37 (hg19) VCF-style: chr1-176675505-G-T.
Other names: c.3376G>T (NM_020318.2); short protein forms E1126*.
Identifiers: ClinVar variation 2066135 (VCV002066135.2), dbSNP rs1414763157, ClinGen allele CA343501515.

ClinVar aggregate classification (germline): Pathogenic. Review status: criteria provided, multiple submitters, no conflicts (2 of 4 stars). 2 submissions from 2 submitters: Pathogenic (2). Last evaluated 2024-04-24.

Allele frequency attached by ClinVar (database versions not stated): gnomAD 0.00001; gnomAD exomes 0.00001; TOPMed 0.00001.
gnomAD v4.1: 18 of 1,613,602 alleles (0.0011%); highest among the groups gnomAD compares: Non-Finnish European, 0.0015%; no homozygotes.

Submissions (2):

GeneDx
Classification: Pathogenic. Last evaluated: 2024-04-24. Review status: criteria provided, single submitter. Criteria: GeneDx Variant Classification Process June 2021. Collection method: clinical testing. Allele origin: germline. Affected: yes.
Comment: Not observed at significant frequency in large population cohorts (gnomAD); Has not been previously published as pathogenic or benign to our knowledge; Nonsense variant predicted to result in protein truncation or nonsense mediated decay in a gene for which loss of function is a known mechanism of disease

Labcorp Genetics (formerly Invitae), Labcorp
Classification: Pathogenic. Last evaluated: 2022-07-18. Review status: criteria provided, single submitter. Criteria: Invitae Variant Classification Sherloc (09022015). Collection method: clinical testing. Allele origin: germline.
Comment: This sequence change creates a premature translational stop signal (p.Glu1126*) in the PAPPA2 gene. It is expected to result in an absent or disrupted protein product. Loss-of-function variants in PAPPA2 are known to be pathogenic (PMID: 26902202, 30977789). This variant is present in population databases (no rsID available, gnomAD 0.002%). This variant has not been reported in the literature in individuals affected with PAPPA2-related conditions. For these reasons, this variant has been classified as Pathogenic.

Literature cited by the submitters: PubMed 26902202 (cited by Labcorp Genetics (formerly Invitae), Labcorp); PubMed 30977789 (cited by Labcorp Genetics (formerly Invitae), Labcorp).